The following is an entry in ClinVar:

ClinVar aggregate classification (germline): Pathogenic (1 of 4 stars; one submission).

Submission:

Labcorp Genetics (formerly Invitae), Labcorp
Classification: Pathogenic. Last evaluated: 2023-01-31. Review status: criteria provided, single submitter. Criteria: Invitae Variant Classification Sherloc (09022015). Collection method: clinical testing. Allele origin: germline.
Comment: This sequence change creates a premature translational stop signal (p.Gln68Profs*160) in the MYO15A gene. It is expected to result in an absent or disrupted protein product. Loss-of-function variants in MYO15A are known to be pathogenic (PMID: 17546645). This variant is not present in population databases (gnomAD no frequency). This variant has not been reported in the literature in individuals affected with MYO15A-related conditions. For these reasons, this variant has been classified as Pathogenic.

Literature cited by the submitters: PubMed 17546645.

NM_016239.4(MYO15A):c.202dup (p.Gln68fs)

Gene: MYO15A (myosin XVA; plus strand). Cytogenetic location: 17p11.2.
Variant type: Duplication.
Coding change: c.202dup on transcript NM_016239.4 (MANE Select); coding-DNA position 202, one base duplicated (C; older notation c.202dupC).
Protein change: p.Gln68fs; shifts the reading frame from glutamine 68.
Molecular consequence: frameshift variant.
Genome position (GRCh38, 1-based): chr17:18,119,002, C duplicated; the last of 5 consecutive C bases (chr17:18,118,998-18,119,002); duplicating any one gives the same sequence. VCF-style (leftmost placement, unchanged base first): chr17-18118997-G-GC. GRCh37 (hg19) VCF-style: chr17-18022311-G-GC.
Other names: short protein forms Q68fs.
Identifiers: ClinVar variation 2833198 (VCV002833198.3), dbSNP rs2142236482, ClinGen allele CA2739267197.